The following is an entry in ClinVar:

ClinVar aggregate classification (germline): Conflicting classifications of pathogenicity. Review status: criteria provided, conflicting classifications (1 of 4 stars). 4 submissions from 4 submitters: Uncertain significance (1); Likely benign (3). Last evaluated 2026-03-01.

Conditions:
Kabuki syndrome 1 (KABUK1). Also called: KMT2D-Related Kabuki Syndrome. Identifiers: Orphanet 2322, MedGen CN030661, MONDO:0007843, OMIM 147920.
Choanal atresia-athelia-hypothyroidism-delayed puberty-short stature syndrome (BCAHH). Also called: BRANCHIAL ARCH ABNORMALITIES, CHOANAL ATRESIA, ATHELIA, HEARING LOSS, AND HYPOTHYROIDISM SYNDROME. Identifiers: Orphanet 589856, MedGen C5680310, MONDO:0035651, OMIM 620186.
Kabuki syndrome. Also called: Kabuki make-up syndrome; NIIKAWA-KUROKI SYNDROME. Identifiers: Orphanet 2322, MedGen C0796004, MONDO:0016512.

Allele frequency attached by ClinVar (database versions not stated): gnomAD exomes below 0.00001; TOPMed below 0.00001.
gnomAD v4.1: 4 of 1,551,384 alleles (0.00026%); highest among the groups gnomAD compares: Non-Finnish European, 0.00035%; no homozygotes.

Submissions (4):

CeGaT Center for Human Genetics Tuebingen
Classification: Likely benign. Last evaluated: 2026-03-01. Review status: criteria provided, single submitter. Criteria: CeGaT Center For Human Genetics Tuebingen Variant Classification Criteria Version 2. Collection method: clinical testing. Allele origin: germline. Affected: yes. Observed: 1 variant allele.
Comment: KMT2D: BP4, BS2

Labcorp Genetics (formerly Invitae), Labcorp
Classification: Likely benign for Kabuki syndrome. Last evaluated: 2025-02-24. Review status: criteria provided, single submitter. Criteria: Invitae Variant Classification Sherloc (09022015). Collection method: clinical testing. Allele origin: germline.

Blueprint Genetics
Classification: Likely benign. Last evaluated: 2024-11-25. Review status: criteria provided, single submitter. Criteria: ACMG Guidelines, 2015. Collection method: clinical testing. Allele origin: germline.

Fulgent Genetics
Classification: Uncertain significance for Kabuki syndrome 1; Choanal atresia-athelia-hypothyroidism-delayed puberty-short stature syndrome. Last evaluated: 2024-05-21. Review status: criteria provided, single submitter. Criteria: ACMG Guidelines, 2015. Collection method: clinical testing. Allele origin: germline.

NM_003482.4(KMT2D):c.11627T>G (p.Leu3876Arg)

Gene: KMT2D (lysine methyltransferase 2D; minus strand). Cytogenetic location: 12q13.12.
Variant type: single nucleotide variant.
Coding change: c.11627T>G on transcript NM_003482.4 (MANE Select); coding-DNA position 11627, T replaced by G.
Protein change: p.Leu3876Arg; replaces leucine 3876 with arginine.
Molecular consequence: missense variant.
Genome position (GRCh38, 1-based): chr12:49,033,078, A>C on the plus strand (T>G on the coding strand, the complement: KMT2D is on the minus strand). VCF-style: chr12-49033078-A-C. GRCh37 (hg19) VCF-style: chr12-49426861-A-C.
Other names: short protein forms L3876R.
Identifiers: ClinVar variation 1420028 (VCV001420028.14), dbSNP rs1943029611, ClinGen allele CA384717114.
Genomic context (GRCh38, chr12:49,033,078, plus strand): 5'-GAGCCCATGGGCTGAGCGCTCAGTTTGGGCTGCCCACTGTGTGACATCAGACTCTGCTGA[A>C]GATGGGACAGCCCTGCCATGGACCCTTGCTGTTGGTGCTGTTGTTGCTGCTGCTGCTGCT-3'
Protein context (NP_003473.3, residues 3866-3886): QQGSMAGLSH[Leu3876Arg]QQSLMSHSGQ